The following is an entry in ClinVar:

NM_015202.5(KATNIP):c.3893C>T (p.Thr1298Met)

Gene: KATNIP (katanin interacting protein; plus strand). Cytogenetic location: 16p12.1.
Variant type: single nucleotide variant.
Coding change: c.3893C>T on transcript NM_015202.5 (MANE Select); coding-DNA position 3893, C replaced by T.
Protein change: p.Thr1298Met; replaces threonine 1298 with methionine.
Molecular consequence: missense variant.
Genome position (GRCh38, 1-based): chr16:27,766,392, C>T. VCF-style: chr16-27766392-C-T. GRCh37 (hg19) VCF-style: chr16-27777713-C-T.
Other names: c.3893C>T (NM_015202.2); short protein forms T1298M.
Identifiers: ClinVar variation 2998378 (VCV002998378.4), dbSNP rs550047890, ClinGen allele CA7978415.
Genomic context (GRCh38, chr16:27,766,392, plus strand): 5'-CCATGGAGGATGAGCATATGTGGCTGATCCCCTTCTCGCCGGGGCTGGACCATGTGGTCA[C>T]GATCCGCCTGGACAGGGCCGAAAGCATCGCAGGCCTGCGCTTCTGGAACTACAATAAATC-3'
Protein context (NP_056017.4, residues 1288-1308): PFSPGLDHVV[Thr1298Met]IRLDRAESIA

ClinVar aggregate classification (germline): Uncertain significance. Review status: criteria provided, multiple submitters, no conflicts (2 of 4 stars). 2 submissions from 2 submitters: Uncertain significance (2). Last evaluated 2023-01-06.

Allele frequency attached by ClinVar (database versions not stated): gnomAD exomes below 0.00001; ExAC 0.00001; gnomAD 0.00001; TOPMed 0.00001; 1000 Genomes Project 30x 0.00016; 1000 Genomes Project 0.00020.
gnomAD v4.1: 4 of 1,614,160 alleles (0.00025%); highest among the groups gnomAD compares: African/African-American, 0.0027%; no homozygotes.

Submissions (2):

Labcorp Genetics (formerly Invitae), Labcorp
Classification: Uncertain significance. Last evaluated: 2023-01-06. Review status: criteria provided, single submitter. Criteria: Invitae Variant Classification Sherloc (09022015). Collection method: clinical testing. Allele origin: germline.
Comment: In summary, the available evidence is currently insufficient to determine the role of this variant in disease. Therefore, it has been classified as a Variant of Uncertain Significance. Algorithms developed to predict the effect of missense changes on protein structure and function output the following: SIFT: "Deleterious"; PolyPhen-2: "Possibly Damaging"; Align-GVGD: "Class C0". The methionine amino acid residue is found in multiple mammalian species, which suggests that this missense change does not adversely affect protein function. This variant has not been reported in the literature in individuals affected with KIAA0556-related conditions. This variant is present in population databases (rs550047890, gnomAD 0.008%). This sequence change replaces threonine, which is neutral and polar, with methionine, which is neutral and non-polar, at codon 1298 of the KIAA0556 protein (p.Thr1298Met).

Ambry Genetics
Classification: Uncertain significance. Last evaluated: 2022-05-13. Review status: criteria provided, single submitter. Criteria: Ambry Variant Classification Scheme 2023. Collection method: clinical testing. Allele origin: germline.